The following is an entry in ClinVar:

ClinVar aggregate classification (germline): Likely pathogenic (1 of 4 stars; one submission).

Conditions:
Hurler syndrome. Also called: Gargoylism, Hurler Syndrome; MUCOPOLYSACCHARIDOSIS TYPE IH; Severe MPS I (Hurler Syndrome). Identifiers: Orphanet 93473, MedGen C0086795, MONDO:0011758, OMIM 607014.

Allele frequency attached by ClinVar (database versions not stated): gnomAD exomes below 0.00001.
gnomAD v4.1: 1 of 1,595,294 alleles (0.000063%); highest among the groups gnomAD compares: Non-Finnish European, 0.000085%; no homozygotes.

Submission:

Cytogénomique, Hospices Civils de Lyon
Classification: Likely pathogenic for Dysostosis multiplex. Last evaluated: 2020-06-20. Review status: criteria provided, single submitter. Criteria: ACMG Guidelines, 2015. Collection method: clinical testing. Allele origin: de novo. Inheritance: Sporadic. Affected: yes.
Comment: PS2 PM2 PP3 PP4

NM_002653.5(PITX1):c.412A>C (p.Lys138Gln)

Gene: PITX1 (paired like homeodomain 1; minus strand). Cytogenetic location: 5q31.1.
Variant type: single nucleotide variant.
Coding change: c.412A>C on transcript NM_002653.5 (MANE Select); coding-DNA position 412, A replaced by C.
Protein change: p.Lys138Gln; replaces lysine 138 with glutamine.
Molecular consequence: missense variant.
Genome position (GRCh38, 1-based): chr5:135,029,312, T>G on the plus strand (A>C on the coding strand, the complement: PITX1 is on the minus strand). VCF-style: chr5-135029312-T-G. GRCh37 (hg19) VCF-style: chr5-134365002-T-G.
Other names: short protein forms K138Q.
Identifiers: ClinVar variation 933134 (VCV000933134.1), dbSNP rs1752408637, ClinGen allele CA361028330.